The following is an entry in ClinVar:

ClinVar aggregate classification (germline): Uncertain significance (1 of 4 stars; one submission).

Conditions:
Ehlers-Danlos syndrome, kyphoscoliotic type 1 (EDSKSCL1). Also called: EHLERS-DANLOS SYNDROME, TYPE VIA; Ehlers-Danlos syndrome, hydroxylysine-deficient; EHLERS-DANLOS SYNDROME, OCULAR-SCOLIOTIC TYPE; PLOD1-Related Kyphoscoliotic Ehlers-Danlos Syndrome. Identifiers: Orphanet 1900, MedGen C0268342, MONDO:0016002, OMIM 225400. Disease mechanism: loss of function.

Submission:

Labcorp Genetics (formerly Invitae), Labcorp
Classification: Uncertain significance for Ehlers-Danlos syndrome, kyphoscoliotic type 1. Last evaluated: 2021-03-22. Review status: criteria provided, single submitter. Criteria: Invitae Variant Classification Sherloc (09022015). Collection method: clinical testing. Allele origin: germline.
Comment: This sequence change replaces asparagine with serine at codon 27 of the PLOD1 protein (p.Asn27Ser). The asparagine residue is moderately conserved and there is a small physicochemical difference between asparagine and serine. This variant is not present in population databases (ExAC no frequency). This variant has not been reported in the literature in individuals with PLOD1-related conditions. Algorithms developed to predict the effect of sequence changes on RNA splicing suggest that this variant may create or strengthen a splice site, but this prediction has not been confirmed by published transcriptional studies. In summary, the available evidence is currently insufficient to determine the role of this variant in disease. Therefore, it has been classified as a Variant of Uncertain Significance. Algorithms developed to predict the effect of missense changes on protein structure and function (SIFT, PolyPhen-2, Align-GVGD) all suggest that this variant is likely to be tolerated, but these predictions have not been confirmed by published functional studies and their clinical significance is uncertain.

NM_000302.4(PLOD1):c.80A>G (p.Asn27Ser)

Gene: PLOD1 (procollagen-lysine,2-oxoglutarate 5-dioxygenase 1; plus strand). Cytogenetic location: 1p36.22.
Variant type: single nucleotide variant.
Coding change: c.80A>G on transcript NM_000302.4 (MANE Select); coding-DNA position 80, A replaced by G.
Protein change: p.Asn27Ser; replaces asparagine 27 with serine.
Molecular consequence: missense variant.
Genome position (GRCh38, 1-based): chr1:11,947,979, A>G. VCF-style: chr1-11947979-A-G. GRCh37 (hg19) VCF-style: chr1-12008036-A-G.
Other names: c.221A>G, p.Asn74Ser (NM_001316320.2); short protein forms N27S, N74S.
Identifiers: ClinVar variation 1518363 (VCV001518363.8), dbSNP rs2100741705, ClinGen allele CA338425022.
Genomic context (GRCh38, chr1:11,947,979, plus strand): 5'-TCCCTGTCACCTCCCTCATCCTCCATTCCCATTCACCATACCCTCCTCTGTCTGCAGACA[A>G]CCTTTTAGTCCTCACGGTGGCCACTAAGGAGACCGAGGGATTCCGTCGCTTCAAGCGCTC-3'
Protein context (NP_000293.2, residues 17-37): EAKGDAKPED[Asn27Ser]LLVLTVATKE